The following is an entry in ClinVar:

NM_000170.3(GLDC):c.118G>A (p.Gly40Ser)

Gene: GLDC (glycine decarboxylase; minus strand). Cytogenetic location: 9p24.1.
Variant type: single nucleotide variant.
Coding change: c.118G>A on transcript NM_000170.3 (MANE Select); coding-DNA position 118, G replaced by A.
Protein change: p.Gly40Ser; replaces glycine 40 with serine.
Molecular consequence: missense variant.
Genome position (GRCh38, 1-based): chr9:6,645,382, C>T on the plus strand (G>A on the coding strand, the complement: GLDC is on the minus strand). VCF-style: chr9-6645382-C-T. GRCh37 (hg19) VCF-style: chr9-6645382-C-T.
Other names: short protein forms G40S.
Identifiers: ClinVar variation 2140891 (VCV002140891.1), dbSNP rs1212351532, ClinGen allele CA372887026.

ClinVar aggregate classification (germline): Uncertain significance (1 of 4 stars; one submission).

Conditions:
Glycine encephalopathy. Also called: Non-ketotic hyperglycinemia; Nonketotic hyperglycinemia. Identifiers: Orphanet 407, MedGen C0751748, MONDO:0011612, HP:0008288.

Allele frequency attached by ClinVar (database versions not stated): gnomAD 0.00001.

Submission:

Labcorp Genetics (formerly Invitae), Labcorp
Classification: Uncertain significance for Glycine encephalopathy. Last evaluated: 2022-08-03. Review status: criteria provided, single submitter. Criteria: Invitae Variant Classification Sherloc (09022015). Collection method: clinical testing. Allele origin: germline.
Comment: This sequence change replaces glycine, which is neutral and non-polar, with serine, which is neutral and polar, at codon 40 of the GLDC protein (p.Gly40Ser). The frequency data for this variant in the population databases is considered unreliable, as metrics indicate poor data quality at this position in the gnomAD database. This variant has not been reported in the literature in individuals affected with GLDC-related conditions. Advanced modeling of protein sequence and biophysical properties (such as structural, functional, and spatial information, amino acid conservation, physicochemical variation, residue mobility, and thermodynamic stability) performed at Invitae indicates that this missense variant is not expected to disrupt GLDC protein function. In summary, the available evidence is currently insufficient to determine the role of this variant in disease. Therefore, it has been classified as a Variant of Uncertain Significance.